The following is an entry in ClinVar:

NM_002035.4(KDSR):c.879G>A (p.Gln293=)

Gene: KDSR (3-ketodihydrosphingosine reductase; minus strand). Cytogenetic location: 18q21.33.
Variant type: single nucleotide variant.
Coding change: c.879G>A on transcript NM_002035.4 (MANE Select); coding-DNA position 879, G replaced by A.
Protein change: p.Gln293=; no amino-acid change (glutamine 293 retained).
Molecular consequence: synonymous variant.
Genome position (GRCh38, 1-based): chr18:63,335,257, C>T on the plus strand (G>A on the coding strand, the complement: KDSR is on the minus strand). VCF-style: chr18-63335257-C-T. GRCh37 (hg19) VCF-style: chr18-61002490-C-T.
Other names: Q293Q; NC_000018.9:g.61002490C>T; c.879G>A, p.Gln293= (LRG_1196t1).
Identifiers: ClinVar variation 427791 (VCV000427791.7), dbSNP rs752611378, ClinGen allele CA8985991.
Genomic context (GRCh38, chr18:63,335,257, plus strand): 5'-GAAAGGCAGTTTTTCTCTTGTCCATCGGCCTGTCTGATTGCTAGCCTAGGCAGAGCTTAC[C>T]TGCTGGAGCCCCTCAGTAATAGAAGTTACTGGAGCCATCCCACAGGTCAGGGCCGAGAGC-3'
Protein context (NP_002026.1, residues 283-303): PVTSITEGLQ[Gln293=]VVTMGLFRTI

ClinVar aggregate classification (germline): Likely pathogenic. Review status: criteria provided, multiple submitters, no conflicts (2 of 4 stars). 3 submissions from 3 submitters: Likely pathogenic (2). 1 of the submissions does not count toward it. Last evaluated 2025-03-06.

Conditions:
Erythrokeratodermia variabilis et progressiva 4 (EKVP4). Identifiers: MedGen C4479620, MONDO:0033014, OMIM 617526.

Allele frequency attached by ClinVar (database versions not stated): gnomAD 0.00001 and 0.00003; TOPMed 0.00001; gnomAD exomes 0.00002 and 0.00007; ExAC 0.00003.
gnomAD v4.1: 104 of 1,607,504 alleles (0.0065%); highest among the groups gnomAD compares: Non-Finnish European, 0.0081%; no homozygotes.

Submissions (6):

GeneDx
Classification: Likely pathogenic. Last evaluated: 2025-03-06. Review status: criteria provided, single submitter. Criteria: GeneDx Variant Classification Process June 2021. Collection method: clinical testing. Allele origin: germline. Affected: yes.
Comment: RNA studies of c.879G>A showed complete skipping of exon 9 resulting in a shortened in-frame transcript (PMID: 28575652); In silico analysis supports a deleterious effect on splicing; This variant is associated with the following publications: (PMID: 29799648, 34686882, 28575652, 28774589)

Juno Genomics, Hangzhou Juno Genomics, Inc
Classification: Likely pathogenic for Erythrokeratodermia variabilis et progressiva 4. Review status: criteria provided, single submitter. Criteria: ACMG Guidelines, 2015. Collection method: clinical testing. Allele origin: germline. Affected: yes.
Comment: Absent from controls (or at extremely low frequency if recessive) in Genome Aggregation Database, Exome Sequencing Project, 1000 Genomes Project, or Exome Aggregation Consortium.;Well-established in vitro or in vivo functional studies supportive of a damaging effect on the gene or gene product.;For recessive disorders, detected in trans with a pathogenic variant.;Patient's phenotype or family history is highly specific for a disease with a single genetic etiology.

OMIM
Classification: Pathogenic for ERYTHROKERATODERMIA VARIABILIS ET PROGRESSIVA 4. Last evaluated: 2017-06-13. Review status: no assertion criteria provided. Collection method: literature only. Allele origin: germline. Not counted in ClinVar's aggregate classification.

Dr. Peter K. Rogan Lab, Western University
No classification provided (evidence only). Condition: Clear cell carcinoma of kidney. Review status: no classification provided. Collection method: in vitro. Allele origin: not applicable. Functional consequence: skipped exon, retained intron. Not counted in ClinVar's aggregate classification.

Dr. Peter K. Rogan Lab, Western University
No classification provided (evidence only). Condition: Acute myeloid leukemia. Review status: no classification provided. Collection method: in vitro. Allele origin: not applicable. Functional consequence: skipped exon. Not counted in ClinVar's aggregate classification.

Dr. Peter K. Rogan Lab, Western University
No classification provided (evidence only). Condition: Sarcoma. Review status: no classification provided. Collection method: in vitro. Allele origin: not applicable. Functional consequence: skipped exon, retained intron. Not counted in ClinVar's aggregate classification.

Literature cited by the submitters: PubMed 28575652 (cited by OMIM).